The following is an entry in ClinVar:

NM_032638.5(GATA2):c.1401C>T (p.Phe467=)

Gene: GATA2 (GATA binding protein 2; minus strand). Cytogenetic location: 3q21.3.
Variant type: single nucleotide variant.
Coding change: c.1401C>T on transcript NM_032638.5 (MANE Select); coding-DNA position 1401, C replaced by T.
Protein change: p.Phe467=; no amino-acid change (phenylalanine 467 retained).
Molecular consequence: synonymous variant.
Genome position (GRCh38, 1-based): chr3:128,481,061, G>A on the plus strand (C>T on the coding strand, the complement: GATA2 is on the minus strand). VCF-style: chr3-128481061-G-A. GRCh37 (hg19) VCF-style: chr3-128199904-G-A.
Other names: c.1401C>T (NM_001145661.1); c.1401C>T, p.Phe467= (NM_001145661.2); c.1359C>T, p.Phe453= (NM_001145662.1).
Identifiers: ClinVar variation 698663 (VCV000698663.16), dbSNP rs534807053, ClinGen allele CA2599778.

ClinVar aggregate classification (germline): Likely benign. Review status: criteria provided, multiple submitters, no conflicts (2 of 4 stars). 4 submissions from 4 submitters: Likely benign (4). Last evaluated 2025-07-03.

Conditions:
GATA2-related disorder. Also called: GATA2-Related Disorders; GATA2-related condition.
Inborn genetic diseases. Identifiers: MedGen C0950123, MeSH D030342.
Monocytopenia with susceptibility to infections. Also called: MONOCYTOPENIA AND MYCOBACTERIAL INFECTION SYNDROME; MONOCYTOPENIA WITH SUSCEPTIBILITY TO MYCOBACTERIAL, FUNGAL, AND PAPILLOMAVIRUS INFECTIONS AND MYELODYSPLASIA; COMBINED IMMUNODEFICIENCY WITH SUSCEPTIBILITY TO MYCOBACTERIAL, VIRAL, AND FUNGAL INFECTIONS; Dendritic cell, monocyte, B lymphocyte, and natural killer lymphocyte deficiency; IMMUNODEFICIENCY 21; GATA2 DEFICIENCY. Identifiers: Orphanet 228423, MedGen C3280030, MONDO:0013607, OMIM 614172.
Deafness-lymphedema-leukemia syndrome. Also called: Lymphedema, primary, with myelodysplasia; Emberger syndrome. Identifiers: Orphanet 3226, MedGen C3279664, MONDO:0013540, OMIM 614038.

Allele frequency attached by ClinVar (database versions not stated): gnomAD 0.00002 and 0.00005; TOPMed 0.00003; gnomAD exomes 0.00006 and 0.00008; ExAC 0.00009; 1000 Genomes Project 30x 0.00016; 1000 Genomes Project 0.00020.

Submissions (4):

PreventionGenetics, part of Exact Sciences
Classification: Likely benign for GATA2-related condition. Last evaluated: 2025-07-03. Review status: criteria provided, single submitter. Criteria: ACMG Guidelines, 2015. Collection method: clinical testing. Allele origin: germline.
Comment: This variant is classified as likely benign based on ACMG/AMP sequence variant interpretation guidelines (Richards et al. 2015 PMID: 25741868, with internal and published modifications).

Labcorp Genetics (formerly Invitae), Labcorp
Classification: Likely benign for Monocytopenia with susceptibility to infections; Deafness-lymphedema-leukemia syndrome. Last evaluated: 2025-05-22. Review status: criteria provided, single submitter. Criteria: Invitae Variant Classification Sherloc (09022015). Collection method: clinical testing. Allele origin: germline.

Ambry Genetics
Classification: Likely benign for Inborn genetic diseases. Last evaluated: 2024-08-21. Review status: criteria provided, single submitter. Criteria: Ambry Variant Classification Scheme 2023. Collection method: clinical testing. Allele origin: germline.

Genetic Services Laboratory, University of Chicago
Classification: Likely benign. Last evaluated: 2019-10-03. Review status: criteria provided, single submitter. Criteria: ACMG Guidelines, 2015. Collection method: clinical testing. Allele origin: germline. Affected: no.